The following is an entry in ClinVar:

NM_019597.5(HNRNPH2):c.629A>G (p.Tyr210Cys)

Genes: HNRNPH2 (heterogeneous nuclear ribonucleoprotein H2; plus strand), RPL36A-HNRNPH2 (RPL36A-HNRNPH2 readthrough; plus strand). Cytogenetic location: Xq22.1.
Variant type: single nucleotide variant.
Coding change: c.629A>G on transcript NM_019597.5 (MANE Select); coding-DNA position 629, A replaced by G.
Protein change: p.Tyr210Cys; replaces tyrosine 210 with cysteine.
Molecular consequence: missense variant. On other transcripts: 3 prime UTR variant (2).
Genome position (GRCh38, 1-based): chrX:101,412,617, A>G. VCF-style: chrX-101412617-A-G. GRCh37 (hg19) VCF-style: chrX-100667605-A-G.
Other names: c.*625A>G (NM_001199973.2, NM_001199974.2); c.629A>G, p.Tyr210Cys (NM_001032393.3); short protein forms Y210C.
Identifiers: ClinVar variation 521005 (VCV000521005.16), dbSNP rs1555988422, ClinGen allele CA413942610.

ClinVar aggregate classification (germline): Conflicting classifications of pathogenicity. Review status: criteria provided, conflicting classifications (1 of 4 stars). 4 submissions from 4 submitters: Pathogenic (1); Likely pathogenic (2); Uncertain significance (1). Last evaluated 2023-12-29.

Conditions:
Intellectual developmental disorder, X-linked, syndromic, Bain type. Also called: Intellectual disability, X-linked, syndromic, Bain type; HNRNPH2-Related Neurodevelopmental Disorder. Identifiers: Orphanet 662198, MedGen C4310814, MONDO:0010512, OMIM 300986.
Inborn genetic diseases. Identifiers: MedGen C0950123, MeSH D030342.

Submissions (4):

GeneDx
Classification: Pathogenic. Last evaluated: 2023-12-29. Review status: criteria provided, single submitter. Criteria: GeneDx Variant Classification Process June 2021. Collection method: clinical testing. Allele origin: germline. Affected: yes.
Comment: Not observed at significant frequency in large population cohorts (gnomAD); In silico analysis supports that this missense variant has a deleterious effect on protein structure/function; This variant is associated with the following publications: (PMID: 33728377, 34794115, 37042074, 33874999)

Labcorp Genetics (formerly Invitae), Labcorp
Classification: Uncertain significance. Last evaluated: 2018-04-17. Review status: criteria provided, single submitter. Criteria: Invitae Variant Classification Sherloc (09022015). Collection method: clinical testing. Allele origin: germline.
Comment: In summary, the available evidence is currently insufficient to determine the role of this variant in disease. Therefore, it has been classified as a Variant of Uncertain Significance. Algorithms developed to predict the effect of missense changes on protein structure and function do not agree on the potential impact of this missense change (SIFT: "Deleterious"; PolyPhen-2: "Benign"; Align-GVGD: "Class C25"). This variant has not been reported in the literature in individuals with HNRNPH2-related disease. This variant is not present in population databases (ExAC no frequency). This sequence change replaces tyrosine with cysteine at codon 210 of the HNRNPH2 protein (p.Tyr210Cys). The tyrosine residue is highly conserved and there is a large physicochemical difference between tyrosine and cysteine.

Ambry Genetics
Classification: Likely pathogenic for Inborn genetic diseases. Last evaluated: 2016-09-14. Review status: criteria provided, single submitter. Criteria: Ambry exome assertion method (8-5-2015). Collection method: clinical testing. Allele origin: germline. Affected: yes. Observed: 1 variant allele.

Kasturba Medical College, Manipal, Kasturba Medical College, Manipal, Manipal Academy of Higher Education, Manipal, India
Classification: Likely pathogenic for Intellectual developmental disorder, X-linked, syndromic, Bain type. Review status: criteria provided, single submitter. Criteria: ACMG Guidelines, 2015. Collection method: clinical testing. Allele origin: de novo. Inheritance: X-linked dominant inheritance. Affected: yes. Observed: 1 heterozygote.

Literature cited by the submitters: PubMed 33728377 (cited by Kasturba Medical College, Manipal, Kasturba Medical College, Manipal, Manipal Academy of Higher Education, Manipal, India).